The following is an entry in ClinVar:

NM_022552.5(DNMT3A):c.2012C>T (p.Thr671Met)

Gene: DNMT3A (DNA methyltransferase 3 alpha; minus strand). Cytogenetic location: 2p23.3.
Variant type: single nucleotide variant.
Coding change: c.2012C>T on transcript NM_022552.5 (MANE Select); coding-DNA position 2012, C replaced by T.
Protein change: p.Thr671Met; replaces threonine 671 with methionine.
Molecular consequence: missense variant. On other transcripts: non-coding transcript variant (1).
Genome position (GRCh38, 1-based): chr2:25,241,632, G>A on the plus strand (C>T on the coding strand, the complement: DNMT3A is on the minus strand). VCF-style: chr2-25241632-G-A. GRCh37 (hg19) VCF-style: chr2-25464501-G-A.
Other names: c.1556C>T, p.Thr519Met (NM_001320893.1); c.1343C>T, p.Thr448Met (NM_001375819.1); c.1445C>T, p.Thr482Met (NM_153759.3); c.2012C>T, p.Thr671Met (NM_175629.2); short protein forms T448M, T482M, T519M, T671M.
Identifiers: ClinVar variation 1012939 (VCV001012939.38), dbSNP rs1674047402, ClinGen allele CA346071283.
Genomic context (GRCh38, chr2:25,241,632, plus strand): 5'-GTGACGCTGCGGACGTCCCCGACGTACATGATCTTCCCCTGGTGCCGCACCATGCCCACC[G>A]TGATGGAGTCCTCACACACCTCCGAGGCAATGTAGCGGTCCACCTGAATGCCCAAGTCCT-3'
Protein context (NP_072046.2, residues 661-681): IASEVCEDSI[Thr671Met]VGMVRHQGKI

ClinVar aggregate classification (germline): Conflicting classifications of pathogenicity. Review status: criteria provided, conflicting classifications (1 of 4 stars). 2 submissions from 2 submitters: Likely pathogenic (1); Uncertain significance (1). Last evaluated 2025-10-08.

Conditions:
DNMT3A-related disorder. Also called: DNMT3A-related disorders; DNMT3A-related condition.

Allele frequency attached by ClinVar (database versions not stated): gnomAD exomes below 0.00001.
gnomAD v4.1: 2 of 1,614,156 alleles (0.00012%); highest among the groups gnomAD compares: South Asian, 0.0011%; no homozygotes.

Submissions (2):

3billion
Classification: Uncertain significance for DNMT3A-related disorder. Last evaluated: 2025-10-08. Review status: criteria provided, single submitter. Criteria: ACMG Guidelines, 2015. Collection method: clinical testing. Allele origin: germline. Affected: yes.
Comment: The variant is observed at an extremely low frequency in the gnomAD v4.1.0 dataset (total allele frequency: <0.001%). Predicted Consequence/Location: Missense variant In silico tool predictions suggest damaging effect of the variant on gene or gene product [REVEL: 0.61 (>=0.6, sensitivity 0.68 and specificity 0.92); 3Cnet: 0.99 (> 0.75, sensitivity 0.96 and precision 0.92)]. The same nucleotide change resulting in the same amino acid change has been previously reported to be associated with DNMT3A-related disorder (ClinVar ID: VCV001012939). However, the evidence of pathogenicity is insufficient at this time. Therefore, this variant is classified as VUS according to the recommendation of ACMG/AMP guideline.

CeGaT Center for Human Genetics Tuebingen
Classification: Likely pathogenic. Last evaluated: 2025-03-01. Review status: criteria provided, single submitter. Criteria: CeGaT Center For Human Genetics Tuebingen Variant Classification Criteria Version 2. Collection method: clinical testing. Allele origin: germline. Affected: yes. Observed: 1 variant allele.
Comment: DNMT3A: PM2, PS2:Moderate, PS4:Moderate